The following is an entry in ClinVar:

ClinVar aggregate classification (germline): Likely pathogenic (3 of 4 stars; one submission).

Conditions:
BRCA1-related cancer predisposition. Identifiers: MedGen CN377757, MONDO:0700268.

Submission:

ClinGen ENIGMA BRCA1 and BRCA2 Variant Curation Expert Panel, ClinGen
Classification: Likely pathogenic for BRCA1-related cancer predisposition. Last evaluated: 2026-11-19. Review status: reviewed by expert panel. Criteria: CSpec BRCA1/2ACMG Rules Specifications V1.2. Collection method: curation. Allele origin: germline. Inheritance: Autosomal dominant inheritance.
Comment: The c.442-?_547+?(2) variant in BRCA1 is a large duplication variant. This duplication variant was not observed in gnomAD v4.1 (including SVs and CNVs datasets), but PM2_Supporting was not applied since recall is considered suboptimal for this type of variant (PM2_Supporting not applicable). This variant is predicted to be a duplication of exon 7(8) in BRCA1 without known breakpoints. RNA data confirmed the tandem duplication of exon 7(8), which is predicted to introduce a premature termination codon in the duplicated biologically relevant exon 7(8), leading to nonsense-mediated decay (PVS1 met, PM5_Supporting (PTC) met) (Ambry internal data). In summary, this variant meets the criteria to be classified as a Likely pathogenic variant for BRCA1-related cancer predisposition based on the ACMG/AMP criteria applied as specified by the ENIGMA BRCA1/2 VCEP (PVS1, PM5_Supporting (PTC)).

NC_000017.11:g.(?_41251792)_(41251897_?)dup

Variant type: Duplication.
Other names: NM_007294.3(BRCA1):c.442-?_547+?(2).
Identifiers: ClinVar variation 5043396 (VCV005043396.1).